The following is an entry in ClinVar:

ClinVar aggregate classification (germline): Uncertain significance (1 of 4 stars; one submission).

Submission:

Laboratory for Molecular Medicine, Mass General Brigham Personalized Medicine
Classification: Uncertain significance. Last evaluated: 2016-08-16. Review status: criteria provided, single submitter. Criteria: LMM Criteria. Collection method: clinical testing. Allele origin: germline. Observed: 1 variant allele.
Comment: The p.Lys1294del variant in MYH7 has not been previously reported in individuals with cardiomyopathy and was absent from large population studies. This variant is a deletion of 1 amino acid at position 1294 and is not predicted to alter the protein reading-frame. It is unclear if this deletion will impact the protein. In summary, the clinical significance of the p.Lys1294del variant is uncertain.

NM_000257.4(MYH7):c.3880_3882del (p.Lys1294del)

Gene: MYH7 (myosin heavy chain 7; minus strand). Cytogenetic location: 14q11.2.
Variant type: Deletion.
Coding change: c.3880_3882del on transcript NM_000257.4 (MANE Select); coding-DNA positions 3880 to 3882, 3 bases deleted (AAG; older notation c.3880_3882delAAG).
Protein change: p.Lys1294del; deletes lysine 1294.
Molecular consequence: inframe deletion.
Genome position (GRCh38, 1-based): chr14:23,419,267-23,419,269, CTT deleted on the plus strand (AAG on the coding strand, the reverse complement: MYH7 is on the minus strand); deleting any 3 consecutive bases within chr14:23,419,267-23,419,271 gives the same sequence; the c. name uses the placement nearest the transcript's 3' end. VCF-style (leftmost placement, unchanged base first): chr14-23419266-CCTT-C. GRCh37 (hg19) VCF-style: chr14-23888475-CCTT-C.
Other names: c.3880_3882del (LRG_384t1); short protein forms K1294del.
Identifiers: ClinVar variation 505287 (VCV000505287.4), dbSNP rs1555336976, ClinGen allele CA658798188.
Genomic context (GRCh38, chr14:23,419,266, plus strand): 5'-GGTCCTCCAGCTGCTGGGTGTAGGTGAGCTTGCCTCGGGTCAGCTGGGAGATCAGTGCCT[CCTT>C]CTCATCCAGCTGCCGGGACAGCTCACCTGGGGAAGCACCATTCTAGATCAGCACTCCTCT-3'